The following is an entry in ClinVar:

NM_000452.3(SLC10A2):c.815C>A (p.Thr272Asn)

Gene: SLC10A2 (solute carrier family 10 member 2; minus strand). Cytogenetic location: 13q33.1.
Variant type: single nucleotide variant.
Coding change: c.815C>A on transcript NM_000452.3 (MANE Select); coding-DNA position 815, C replaced by A.
Protein change: p.Thr272Asn; replaces threonine 272 with asparagine.
Molecular consequence: missense variant.
Genome position (GRCh38, 1-based): chr13:103,049,393, G>T on the plus strand (C>A on the coding strand, the complement: SLC10A2 is on the minus strand). VCF-style: chr13-103049393-G-T. GRCh37 (hg19) VCF-style: chr13-103701743-G-T.
Other names: short protein forms T272N.
Identifiers: ClinVar variation 3718678 (VCV003718678.2).
Genomic context (GRCh38, chr13:103,049,393, plus strand): 5'-ATGAGCGGGAAGGTGAATACGACATTGAGCTCCTCAGGAGTGAAGGAGAGCTGAACGATG[G>T]TGGAACATAGCTGCGTGTTCTGCATCCCCGTTTCAAAAGCAACCGTTCGGCACCTAAAGA-3'
Protein context (NP_000443.2, residues 262-282): TGMQNTQLCS[Thr272Asn]IVQLSFTPEE

ClinVar aggregate classification (germline): Uncertain significance (1 of 4 stars; one submission).

gnomAD v4.1: 9 of 1,614,048 alleles (0.00056%); highest among the groups gnomAD compares: Admixed American, 0.0033%; no homozygotes.

Submission:

Labcorp Genetics (formerly Invitae), Labcorp
Classification: Uncertain significance. Last evaluated: 2026-01-14. Review status: criteria provided, single submitter. Criteria: Invitae Variant Classification Sherloc (09022015). Collection method: clinical testing. Allele origin: germline.
Comment: This sequence change replaces threonine, which is neutral and polar, with asparagine, which is neutral and polar, at codon 272 of the SLC10A2 protein (p.Thr272Asn). This variant is present in population databases (rs182021361, gnomAD 0.003%). This variant has not been reported in the literature in individuals affected with SLC10A2-related conditions. ClinVar contains an entry for this variant (Variation ID: 3718678). Invitae Evidence Modeling of protein sequence and biophysical properties (such as structural, functional, and spatial information, amino acid conservation, physicochemical variation, residue mobility, and thermodynamic stability) indicates that this missense variant is expected to disrupt SLC10A2 protein function with a positive predictive value of 80%. In summary, the available evidence is currently insufficient to determine the role of this variant in disease. Therefore, it has been classified as a Variant of Uncertain Significance.